The following is an entry in ClinVar:

ClinVar aggregate classification (germline): Uncertain significance (1 of 4 stars; one submission).

gnomAD v4.1: 1 of 1,614,170 alleles (0.000062%); no homozygotes.

Submission:

Labcorp Genetics (formerly Invitae), Labcorp
Classification: Uncertain significance. Last evaluated: 2024-02-24. Review status: criteria provided, single submitter. Criteria: Invitae Variant Classification Sherloc (09022015). Collection method: clinical testing. Allele origin: germline.
Comment: This sequence change replaces leucine, which is neutral and non-polar, with serine, which is neutral and polar, at codon 904 of the TCF20 protein (p.Leu904Ser). This variant is present in population databases (no rsID available, gnomAD no frequency). This variant has not been reported in the literature in individuals affected with TCF20-related conditions. An algorithm developed to predict the effect of missense changes on protein structure and function (PolyPhen-2) suggests that this variant is likely to be disruptive. In summary, the available evidence is currently insufficient to determine the role of this variant in disease. Therefore, it has been classified as a Variant of Uncertain Significance.

NM_001378418.1(TCF20):c.2711T>C (p.Leu904Ser)

Gene: TCF20 (transcription factor 20; minus strand). Cytogenetic location: 22q13.2.
Variant type: single nucleotide variant.
Coding change: c.2711T>C on transcript NM_001378418.1 (MANE Select); coding-DNA position 2711, T replaced by C.
Protein change: p.Leu904Ser; replaces leucine 904 with serine.
Molecular consequence: missense variant.
Genome position (GRCh38, 1-based): chr22:42,212,595, A>G on the plus strand (T>C on the coding strand, the complement: TCF20 is on the minus strand). VCF-style: chr22-42212595-A-G. GRCh37 (hg19) VCF-style: chr22-42608601-A-G.
Other names: c.2711T>C, p.Leu904Ser (NM_005650.4, NM_181492.3); short protein forms L904S.
Identifiers: ClinVar variation 3605392 (VCV003605392.2).